The following is an entry in ClinVar:

ClinVar aggregate classification (germline): Likely pathogenic (1 of 4 stars; one submission).

Conditions:
SLC14A1-related disorder. Also called: SLC14A1-related condition.

Submission:

PreventionGenetics, part of Exact Sciences
Classification: Likely pathogenic for SLC14A1-related condition. Last evaluated: 2022-09-07. Review status: criteria provided, single submitter. Criteria: ACMG Guidelines, 2015. Collection method: clinical testing. Allele origin: germline.
Comment: The SLC14A1 c.264_265dupGA variant is predicted to result in a frameshift and premature protein termination (p.Asn89Argfs*18). To our knowledge, this variant has not been reported in the literature. This variant is reported in 0.00088% of alleles in individuals of European (Non-Finnish) descent in gnomAD. Frameshift variants in SLC14A1 are expected to be pathogenic. This variant is interpreted as likely pathogenic.

NM_015865.7(SLC14A1):c.264_265dup (p.Asn89fs)

Gene: SLC14A1 (solute carrier family 14 member 1 (Kidd blood group); plus strand). Cytogenetic location: 18q12.3.
Variant type: Duplication.
Coding change: c.264_265dup on transcript NM_015865.7 (MANE Select); coding-DNA positions 264 to 265, 2 bases duplicated (GA; older notation c.264_265dupGA).
Protein change: p.Asn89fs; shifts the reading frame from asparagine 89.
Molecular consequence: frameshift variant. On other transcripts: 5 prime UTR variant (1), intron variant (1).
Genome position (GRCh38, 1-based): chr18:45,731,127-45,731,128, GA duplicated; duplicating any 2 consecutive bases within chr18:45,731,126-45,731,128 gives the same sequence; the c. name uses the placement nearest the transcript's 3' end. VCF-style (leftmost placement, unchanged base first): chr18-45731125-C-CAG. GRCh37 (hg19) VCF-style: chr18-43311090-C-CAG.
Other names: c.432_433dup, p.Asn145fs (NM_001128588.4, NM_001146037.1); c.264_265dup, p.Asn89fs (NM_001146036.3); c.-52_-51dup (NM_001308278.2); c.-55-3147_-55-3146dup (NM_001308279.2); short protein forms N145fs, N89fs.
Identifiers: ClinVar variation 2636442 (VCV002636442.1), dbSNP rs760401643, ClinGen allele CA8947312.